The following is an entry in ClinVar:

ClinVar aggregate classification (germline): Pathogenic (1 of 4 stars; one submission).

Conditions:
Long QT syndrome (LQTS). Identifiers: MedGen C0023976, MeSH D008133, MONDO:0002442. Disease mechanism: loss of function. Inheritance: Various modes of inheritance.

Submission:

Labcorp Genetics (formerly Invitae), Labcorp
Classification: Pathogenic for Long QT syndrome. Last evaluated: 2019-11-03. Review status: criteria provided, single submitter. Criteria: Invitae Variant Classification Sherloc (09022015). Collection method: clinical testing. Allele origin: germline.
Comment: For these reasons, this variant has been classified as Pathogenic. Loss-of-function variants in KCNH2 are known to be pathogenic (PMID: 10973849, 19862833). This variant has not been reported in the literature in individuals with KCNH2-related conditions. This variant is not present in population databases (ExAC no frequency). This sequence change creates a premature translational stop signal (p.Cys52*) in the KCNH2 gene. It is expected to result in an absent or disrupted protein product.

Literature cited by the submitters: PubMed 10973849; PubMed 19862833.

NM_000238.4(KCNH2):c.156C>A (p.Cys52Ter)

Gene: KCNH2 (potassium voltage-gated channel subfamily H member 2; minus strand). Cytogenetic location: 7q36.1.
Variant type: single nucleotide variant.
Coding change: c.156C>A on transcript NM_000238.4 (MANE Select); coding-DNA position 156, C replaced by A.
Protein change: p.Cys52Ter; replaces cysteine 52 with a stop codon.
Molecular consequence: nonsense.
Genome position (GRCh38, 1-based): chr7:150,974,862, G>T on the plus strand (C>A on the coding strand, the complement: KCNH2 is on the minus strand). VCF-style: chr7-150974862-G-T. GRCh37 (hg19) VCF-style: chr7-150671950-G-T.
Other names: c.-22C>A (NM_001406755.1); c.156C>A, p.Cys52Ter (NM_172056.3); short protein forms C52*.
Identifiers: ClinVar variation 200772 (VCV000200772.8), dbSNP rs754921704, ClinGen allele CA004804.